The following is an entry in ClinVar:

ClinVar aggregate classification (germline): Pathogenic. Review status: criteria provided, single submitter (1 of 4 stars). 3 submissions from 2 submitters: Pathogenic (1). 2 of the submissions do not count toward it. Last evaluated 2015-09-09.

Conditions:
Bosch-Boonstra-Schaaf optic atrophy syndrome (BBSOAS). Also called: NR2F1-Related Neurodevelopmental Disorder. Identifiers: Orphanet 401777, MedGen C3810363, MONDO:0014320, OMIM 615722.

Submissions (3):

Lupski Lab, Baylor-Hopkins CMG, Baylor College of Medicine
Classification: Pathogenic for Bosch-Boonstra-Schaaf optic atrophy syndrome. Last evaluated: 2015-09-09. Review status: criteria provided, single submitter. Criteria: Bosch et al. (EJHG 2015). Collection method: research. Allele origin: de novo. Inheritance: Autosomal dominant inheritance. Affected: yes. Observed: 1 variant allele, 1 heterozygote.
Comment: This study shows that diverse genetic causes underlie CVI.

OMIM
Classification: Pathogenic for BOSCH-BOONSTRA-SCHAAF OPTIC ATROPHY SYNDROME. Last evaluated: 2014-02-06. Review status: no assertion criteria provided. Collection method: literature only. Allele origin: germline. Not counted in ClinVar's aggregate classification.

Lupski Lab, Baylor-Hopkins CMG, Baylor College of Medicine
Classification: Likely pathogenic for Bosch-Boonstra-Schaaf optic atrophy syndrome. Last evaluated: 2014-02-06. Review status: flagged submission. Criteria: Bosch et al. (AJHG 2014). Collection method: research. Allele origin: de novo. Inheritance: Autosomal dominant inheritance. Affected: yes. Observed: 1 variant allele, 1 heterozygote. Not counted in ClinVar's aggregate classification.
ClinVar note: Reason: This record appears to be redundant with a more recent record from the same submitter.
ClinVar note: Notes: SCV000258384 appears to be redundant with SCV000258431.

Literature cited by the submitters: PubMed 24462372 (cited by OMIM).

NM_005654.6(NR2F1):c.344G>C (p.Arg115Pro)

Genes: NR2F1 (nuclear receptor subfamily 2 group F member 1; plus strand), NR2F1-AS1 (NR2F1 regulatory antisense RNA 1; minus strand). Cytogenetic location: 5q15.
Variant type: single nucleotide variant.
Coding change: c.344G>C on transcript NM_005654.6 (MANE Select); coding-DNA position 344, G replaced by C.
Protein change: p.Arg115Pro; replaces arginine 115 with proline.
Molecular consequence: missense variant.
Genome position (GRCh38, 1-based): chr5:93,585,367, G>C. VCF-style: chr5-93585367-G-C. GRCh37 (hg19) VCF-style: chr5-92921073-G-C.
Other names: short protein forms R115P.
Identifiers: ClinVar variation 126493 (VCV000126493.2), dbSNP rs587777274, ClinGen allele CA331787.
Genomic context (GRCh38, chr5:93,585,367, plus strand): 5'-GCAAGCACTACGGCCAATTCACCTGCGAGGGCTGCAAAAGTTTCTTCAAGAGGAGCGTCC[G>C]CAGGAACTTAACTTACACATGCCGTGCCAACAGGAACTGTCCCATCGACCAGCACCACCG-3'
Protein context (NP_005645.1, residues 105-125): GCKSFFKRSV[Arg115Pro]RNLTYTCRAN